The following is an entry in ClinVar:

ClinVar aggregate classification (germline): Uncertain significance (1 of 4 stars; one submission).

Submission:

GeneDx
Classification: Uncertain significance. Last evaluated: 2025-04-16. Review status: criteria provided, single submitter. Criteria: GeneDx Variant Classification Process June 2021. Collection method: clinical testing. Allele origin: germline. Affected: yes.
Comment: In silico analysis indicates that this missense variant does not alter protein structure/function; Has not been previously published as pathogenic or benign to our knowledge; This variant is associated with the following publications: (PMID: 27535533)

NM_005276.4(GPD1):c.97G>A (p.Asp33Asn)

Gene: GPD1 (glycerol-3-phosphate dehydrogenase 1; plus strand). Cytogenetic location: 12q13.12.
Variant type: single nucleotide variant.
Coding change: c.97G>A on transcript NM_005276.4 (MANE Select); coding-DNA position 97, G replaced by A.
Protein change: p.Asp33Asn; replaces aspartic acid 33 with asparagine.
Molecular consequence: missense variant.
Genome position (GRCh38, 1-based): chr12:50,104,629, G>A. VCF-style: chr12-50104629-G-A. GRCh37 (hg19) VCF-style: chr12-50498412-G-A.
Other names: c.97G>A, p.Asp33Asn (NM_001257199.2); short protein forms D33N.
Identifiers: ClinVar variation 4282397 (VCV004282397.1).